The following is an entry in ClinVar:

ClinVar aggregate classification (germline): Pathogenic. Review status: criteria provided, multiple submitters, no conflicts (2 of 4 stars). 2 submissions from 2 submitters: Pathogenic (2). Last evaluated 2025-07-21.

Conditions:
Osteogenesis imperfecta type I (OI1). Also called: OI, TYPE I; OSTEOGENESIS IMPERFECTA TARDA; OSTEOGENESIS IMPERFECTA WITH BLUE SCLERAE; Osteogenesis imperfecta type 1; Lobstein disease; Lobstein's Disease. Identifiers: Orphanet 216796, Orphanet 666, MedGen C0023931, MONDO:0008146, OMIM 166200. Disease mechanism: loss of function.

Submissions (2):

Labcorp Genetics (formerly Invitae), Labcorp
Classification: Pathogenic for Osteogenesis imperfecta type I. Last evaluated: 2025-07-21. Review status: criteria provided, single submitter. Criteria: Invitae Variant Classification Sherloc (09022015). Collection method: clinical testing. Allele origin: germline.
Comment: This sequence change creates a premature translational stop signal (p.Gln1351*) in the COL1A1 gene. It is expected to result in an absent or disrupted protein product. Loss-of-function variants in COL1A1 are known to be pathogenic (PMID: 7942841, 9295084, 9443882). This variant is not present in population databases (gnomAD no frequency). This premature translational stop signal has been observed in individual(s) with osteogenesis imperfecta (PMID: 27509835). ClinVar contains an entry for this variant (Variation ID: 2138066). For these reasons, this variant has been classified as Pathogenic.

GeneDx
Classification: Pathogenic. Last evaluated: 2023-01-31. Review status: criteria provided, single submitter. Criteria: GeneDx Variant Classification Process June 2021. Collection method: clinical testing. Allele origin: germline. Affected: yes.
Comment: Nonsense variant predicted to result in protein truncation or nonsense mediated decay in a gene for which loss-of-function is a known mechanism of disease; Not observed in large population cohorts (gnomAD); This variant is associated with the following publications: (PMID: 27509835)

Literature cited by the submitters: PubMed 7942841 (cited by Labcorp Genetics (formerly Invitae), Labcorp); PubMed 9295084 (cited by Labcorp Genetics (formerly Invitae), Labcorp); PubMed 9443882 (cited by Labcorp Genetics (formerly Invitae), Labcorp); PubMed 27509835 (cited by Labcorp Genetics (formerly Invitae), Labcorp).

NM_000088.4(COL1A1):c.4051C>T (p.Gln1351Ter)

Gene: COL1A1 (collagen type I alpha 1 chain; minus strand). Cytogenetic location: 17q21.33.
Variant type: single nucleotide variant.
Coding change: c.4051C>T on transcript NM_000088.4 (MANE Select); coding-DNA position 4051, C replaced by T.
Protein change: p.Gln1351Ter; replaces glutamine 1351 with a stop codon.
Molecular consequence: nonsense.
Genome position (GRCh38, 1-based): chr17:50,185,975, G>A on the plus strand (C>T on the coding strand, the complement: COL1A1 is on the minus strand). VCF-style: chr17-50185975-G-A. GRCh37 (hg19) VCF-style: chr17-48263336-G-A.
Other names: short protein forms Q1351*.
Identifiers: ClinVar variation 2138066 (VCV002138066.7), dbSNP rs2509157160, ClinGen allele CA400192617.